The following is an entry in ClinVar:

NM_013432.5(TONSL):c.4082G>A (p.Gly1361Asp)

Gene: TONSL (tonsoku like, DNA repair protein; minus strand). Cytogenetic location: 8q24.3.
Variant type: single nucleotide variant.
Coding change: c.4082G>A on transcript NM_013432.5 (MANE Select); coding-DNA position 4082, G replaced by A.
Protein change: p.Gly1361Asp; replaces glycine 1361 with aspartic acid.
Molecular consequence: missense variant.
Genome position (GRCh38, 1-based): chr8:144,429,198, C>T on the plus strand (G>A on the coding strand, the complement: TONSL is on the minus strand). VCF-style: chr8-144429198-C-T. GRCh37 (hg19) VCF-style: chr8-145654581-C-T.
Other names: short protein forms G1361D.
Identifiers: ClinVar variation 1492352 (VCV001492352.7), dbSNP rs947855895, ClinGen allele CA187663387.
Genomic context (GRCh38, chr8:144,429,198, plus strand): 5'-CAGGGTCAGAGGCGCCGAAAGAAGAGCTTGGAGCCGTGGTCCAGCGTGCACTCGCCGGGG[C>T]CCGGCCGACTGGGCTGCAGCTGGCGCAGGGCGTCCCTGTCCTCAGCGCAGAGGCGTCTGC-3'
Protein context (NP_038460.4, residues 1351-1371): ALRQLQPSRP[Gly1361Asp]PGECTLDHGS

ClinVar aggregate classification (germline): Uncertain significance (1 of 4 stars; one submission).

gnomAD v4.1: 4 of 1,534,754 alleles (0.00026%); highest among the groups gnomAD compares: Non-Finnish European, 0.00035%; no homozygotes.

Submission:

Labcorp Genetics (formerly Invitae), Labcorp
Classification: Uncertain significance. Last evaluated: 2022-03-13. Review status: criteria provided, single submitter. Criteria: Invitae Variant Classification Sherloc (09022015). Collection method: clinical testing. Allele origin: germline.
Comment: In summary, the available evidence is currently insufficient to determine the role of this variant in disease. Therefore, it has been classified as a Variant of Uncertain Significance. Algorithms developed to predict the effect of missense changes on protein structure and function output the following: SIFT: "Tolerated"; PolyPhen-2: "Benign"; Align-GVGD: "Class C0". The aspartic acid amino acid residue is found in multiple mammalian species, which suggests that this missense change does not adversely affect protein function. This variant has not been reported in the literature in individuals affected with TONSL-related conditions. This variant is not present in population databases (gnomAD no frequency). This sequence change replaces glycine, which is neutral and non-polar, with aspartic acid, which is acidic and polar, at codon 1361 of the TONSL protein (p.Gly1361Asp).